The following is an entry in ClinVar:

NM_001378615.1(CC2D2A):c.951G>A (p.Gly317=)

Genes: CC2D2A (coiled-coil and C2 domain containing 2A; plus strand), FBXL5 (F-box and leucine rich repeat protein 5; minus strand). Cytogenetic location: 4p15.32.
Variant type: single nucleotide variant.
Coding change: c.951G>A on transcript NM_001378615.1 (MANE Select); coding-DNA position 951, G replaced by A.
Protein change: p.Gly317=; no amino-acid change (glycine 317 retained).
Molecular consequence: synonymous variant.
Genome position (GRCh38, 1-based): chr4:15,515,938, G>A. VCF-style: chr4-15515938-G-A. GRCh37 (hg19) VCF-style: chr4-15517561-G-A.
Other names: c.951G>A, p.Gly317= (NM_001080522.2); c.804G>A, p.Gly268= (NM_001378617.1).
Identifiers: ClinVar variation 681786 (VCV000681786.11), dbSNP rs762984980, ClinGen allele CA2863527.

ClinVar aggregate classification (germline): Likely benign. Review status: criteria provided, multiple submitters, no conflicts (2 of 4 stars). 3 submissions from 3 submitters: Likely benign (3). Last evaluated 2026-01-28.

Conditions:
Joubert syndrome. Also called: JOUBERT-BOLTSHAUSER SYNDROME; Familial aplasia of the vermis. Identifiers: Orphanet 475, MedGen C5979921, MONDO:0018772.
Meckel-Gruber syndrome. Also called: Dysencephalia splachnocystica; DYSENCEPHALIA SPLANCHNOCYSTICA; GRUBER SYNDROME. Identifiers: Orphanet 564, MedGen C0265215, MONDO:0018921.
CC2D2A-related disorder. Also called: CC2D2A-related disorders; CC2D2A-related condition. Identifiers: MedGen CN239313.

Allele frequency attached by ClinVar (database versions not stated): ExAC below 0.00001; gnomAD exomes 0.00001; TOPMed 0.00001.
gnomAD v4.1: 8 of 1,569,356 alleles (0.00051%); highest among the groups gnomAD compares: South Asian, 0.0012%; no homozygotes.

Submissions (3):

Labcorp Genetics (formerly Invitae), Labcorp
Classification: Likely benign for Joubert syndrome; Meckel-Gruber syndrome. Last evaluated: 2026-01-28. Review status: criteria provided, single submitter. Criteria: Invitae Variant Classification Sherloc (09022015). Collection method: clinical testing. Allele origin: germline.

PreventionGenetics, part of Exact Sciences
Classification: Likely benign for CC2D2A-related condition. Last evaluated: 2024-10-21. Review status: criteria provided, single submitter. Criteria: ACMG Guidelines, 2015. Collection method: clinical testing. Allele origin: germline.
Comment: This variant is classified as likely benign based on ACMG/AMP sequence variant interpretation guidelines (Richards et al. 2015 PMID: 25741868, with internal and published modifications).

GeneDx
Classification: Likely benign. Last evaluated: 2018-04-11. Review status: criteria provided, single submitter. Criteria: GeneDx Variant Classification (06012015). Collection method: clinical testing. Allele origin: germline. Affected: yes.
Comment: This variant is considered likely benign or benign based on one or more of the following criteria: it is a conservative change, it occurs at a poorly conserved position in the protein, it is predicted to be benign by multiple in silico algorithms, and/or has population frequency not consistent with disease.